The following is an entry in ClinVar:

ClinVar aggregate classification (germline): Likely benign. Review status: criteria provided, multiple submitters, no conflicts (2 of 4 stars). 3 submissions from 3 submitters: Likely benign (3). Last evaluated 2025-11-13.

Conditions:
Autosomal recessive limb-girdle muscular dystrophy type 2J (LGMDR10). Also called: MUSCULAR DYSTROPHY, LIMB-GIRDLE, AUTOSOMAL RECESSIVE 10; Limb-girdle muscular dystrophy, type 2J. Identifiers: Orphanet 140922, MedGen C1837342, MONDO:0012127, OMIM 608807.
Dilated cardiomyopathy 1G (CMD1G). Identifiers: Orphanet 154, MedGen C1858763, MONDO:0011400, OMIM 604145.

Allele frequency attached by ClinVar (database versions not stated): gnomAD exomes below 0.00001 and 0.00001; ExAC 0.00002; TOPMed 0.00003; gnomAD 0.00005 and 0.00006; ESP Exome Variant Server 0.00008.
gnomAD v4.1: 13 of 1,606,044 alleles (0.00081%); highest among the groups gnomAD compares: African/African-American, 0.016%; no homozygotes.

Submissions (3):

Labcorp Genetics (formerly Invitae), Labcorp
Classification: Likely benign for Dilated cardiomyopathy 1G; Autosomal recessive limb-girdle muscular dystrophy type 2J. Last evaluated: 2025-11-13. Review status: criteria provided, single submitter. Criteria: Invitae Variant Classification Sherloc (09022015). Collection method: clinical testing. Allele origin: germline.

GeneDx
Classification: Likely benign. Last evaluated: 2018-09-24. Review status: criteria provided, single submitter. Criteria: GeneDx Variant Classification Process June 2021. Collection method: clinical testing. Allele origin: germline. Affected: yes.

Laboratory for Molecular Medicine, Mass General Brigham Personalized Medicine
Classification: Likely benign. Last evaluated: 2016-12-08. Review status: criteria provided, single submitter. Criteria: LMM Criteria. Collection method: clinical testing. Allele origin: germline. Observed: 1 variant allele.
Comment: c.37379-12C>T in intron 193 of TTN: This variant is not expected to have clinica l significance because a C>T change at this position does not diverge from the s plice consensus sequence and is therefore unlikely to impact splicing. It has al so been identified in 2/9468 African chromosomes by the Exome Aggregation Consor tium (ExAC; dbSNP rs377143579).

NM_001267550.2(TTN):c.45083-12C>T

Genes: TTN (titin; minus strand), LOC126806427 (BRD4-independent group 4 enhancer GRCh37_chr2:179485777-179486976; plus strand). Cytogenetic location: 2q31.2.
Variant type: single nucleotide variant.
Coding change: c.45083-12C>T on transcript NM_001267550.2 (MANE Select); 12 bases into the intron before coding-DNA position 45083, C replaced by T.
Molecular consequence: intron variant.
Genome position (GRCh38, 1-based): chr2:178,621,753, G>A on the plus strand (C>T on the coding strand, the complement: TTN is on the minus strand). VCF-style: chr2-178621753-G-A. GRCh37 (hg19) VCF-style: chr2-179486480-G-A.
Other names: c.17888-12C>T (NM_003319.4); c.18464-12C>T (NM_133437.4); c.18263-12C>T (NM_133432.3); c.37379-12C>T (NM_133378.4); c.40160-12C>T (NM_001256850.1).
Identifiers: ClinVar variation 504543 (VCV000504543.16), dbSNP rs377143579, ClinGen allele CA1995500.
Genomic context (GRCh38, chr2:178,621,753, plus strand): 5'-TCACTAACTTCAATGTTGGCAAGATTTTTGGTAAAGACAGCTTCTTCTTCTGCAAGCATT[G>A]AAAAAACAAAAACCACATTGAGTTAAGCTGGAAATTATTATTTTTTCCCAACACATATAC-3'